The following is an entry in ClinVar:

ClinVar aggregate classification (germline): Uncertain significance (1 of 4 stars; one submission).

Conditions:
Neuroblastoma, susceptibility to, 3. Also called: ALK-Related Neuroblastic Tumor Susceptibility. Identifiers: Orphanet 635, MedGen C2751681, MONDO:0013083, OMIM 613014.

Submission:

Labcorp Genetics (formerly Invitae), Labcorp
Classification: Uncertain significance for Neuroblastoma, susceptibility to, 3. Last evaluated: 2020-11-25. Review status: criteria provided, single submitter. Criteria: Invitae Variant Classification Sherloc (09022015). Collection method: clinical testing. Allele origin: germline.
Comment: The current clinical and genetic evidence is not sufficient to establish whether loss-of-function variants in ALK cause disease. In summary, the available evidence is currently insufficient to determine the role of this variant in disease. Therefore, it has been classified as a Variant of Uncertain Significance. This variant has not been reported in the literature in individuals with ALK-related disease. This variant is not present in population databases (ExAC no frequency). This sequence change creates a premature translational stop signal (p.Trp290*) in the ALK gene. It is expected to result in an absent or disrupted protein product.

NM_004304.5(ALK):c.870G>A (p.Trp290Ter)

Gene: ALK (ALK receptor tyrosine kinase; minus strand). Cytogenetic location: 2p23.2.
Variant type: single nucleotide variant.
Coding change: c.870G>A on transcript NM_004304.5 (MANE Select); coding-DNA position 870, G replaced by A.
Protein change: p.Trp290Ter; replaces tryptophan 290 with a stop codon.
Molecular consequence: nonsense.
Genome position (GRCh38, 1-based): chr2:29,694,932, C>T on the plus strand (G>A on the coding strand, the complement: ALK is on the minus strand). VCF-style: chr2-29694932-C-T. GRCh37 (hg19) VCF-style: chr2-29917798-C-T.
Other names: short protein forms W290*.
Identifiers: ClinVar variation 567185 (VCV000567185.6), dbSNP rs1558446122, ClinGen allele CA346586964.